The following is an entry in ClinVar:

ClinVar aggregate classification (germline): Uncertain significance. Review status: criteria provided, multiple submitters, no conflicts (2 of 4 stars). 2 submissions from 2 submitters: Uncertain significance (2). Last evaluated 2024-10-28.

Conditions:
Combined immunodeficiency due to STK4 deficiency (IMD110). Also called: STK4 DEFICIENCY; MST1 DEFICIENCY; T-cell immunodeficiency, recurrent infections, and autoimmunity with or without cardiac malformations. Identifiers: Orphanet 314689, MedGen C3553943, MONDO:0013934, OMIM 614868.

Allele frequency attached by ClinVar (database versions not stated): TOPMed 0.00001; ExAC 0.00002; gnomAD 0.00002; gnomAD exomes 0.00002 and 0.00005.
gnomAD v4.1: 70 of 1,612,076 alleles (0.0043%); highest among the groups gnomAD compares: Non-Finnish European, 0.0057%; no homozygotes.

Submissions (2):

Labcorp Genetics (formerly Invitae), Labcorp
Classification: Uncertain significance for Combined immunodeficiency due to STK4 deficiency. Last evaluated: 2024-10-28. Review status: criteria provided, single submitter. Criteria: Invitae Variant Classification Sherloc (09022015). Collection method: clinical testing. Allele origin: germline.
Comment: This sequence change replaces asparagine, which is neutral and polar, with serine, which is neutral and polar, at codon 158 of the STK4 protein (p.Asn158Ser). This variant is present in population databases (rs774250826, gnomAD 0.005%). This variant has not been reported in the literature in individuals affected with STK4-related conditions. ClinVar contains an entry for this variant (Variation ID: 565530). Invitae Evidence Modeling of protein sequence and biophysical properties (such as structural, functional, and spatial information, amino acid conservation, physicochemical variation, residue mobility, and thermodynamic stability) indicates that this missense variant is not expected to disrupt STK4 protein function with a negative predictive value of 95%. In summary, the available evidence is currently insufficient to determine the role of this variant in disease. Therefore, it has been classified as a Variant of Uncertain Significance.

Blueprint Genetics
Classification: Uncertain significance. Last evaluated: 2022-06-23. Review status: criteria provided, single submitter. Criteria: ACMG Guidelines, 2015. Collection method: clinical testing. Allele origin: germline.

NM_006282.5(STK4):c.473A>G (p.Asn158Ser)

Gene: STK4 (serine/threonine kinase 4; plus strand). Cytogenetic location: 20q13.12.
Variant type: single nucleotide variant.
Coding change: c.473A>G on transcript NM_006282.5 (MANE Select); coding-DNA position 473, A replaced by G.
Protein change: p.Asn158Ser; replaces asparagine 158 with serine.
Molecular consequence: missense variant.
Genome position (GRCh38, 1-based): chr20:44,987,244, A>G. VCF-style: chr20-44987244-A-G. GRCh37 (hg19) VCF-style: chr20-43615885-A-G.
Other names: c.473A>G, p.Asn158Ser (NM_001352385.2); short protein forms N158S.
Identifiers: ClinVar variation 565530 (VCV000565530.11), dbSNP rs774250826, ClinGen allele CA9873808.